The following is an entry in ClinVar:

ClinVar aggregate classification (germline): Uncertain significance. Review status: criteria provided, multiple submitters, no conflicts (2 of 4 stars). 2 submissions from 2 submitters: Uncertain significance (2). Last evaluated 2026-02-09.

Conditions:
PEX6-related disorder. Also called: PEX6-related disorders; PEX6-related condition.
Peroxisome biogenesis disorder. Identifiers: Orphanet 79189, MedGen C1832200, MONDO:0019234. Disease mechanism: loss of function.

Allele frequency attached by ClinVar (database versions not stated): gnomAD exomes below 0.00001 and 0.00001; gnomAD 0.00001 and 0.00002; TOPMed 0.00001.
gnomAD v4.1: 6 of 1,614,084 alleles (0.00037%); highest among the groups gnomAD compares: Admixed American, 0.0033%; no homozygotes.

Submissions (2):

PreventionGenetics, part of Exact Sciences
Classification: Uncertain significance for PEX6-related condition. Last evaluated: 2026-02-09. Review status: criteria provided, single submitter. Criteria: ACMG Guidelines, 2015. Collection method: clinical testing. Allele origin: germline.
Comment: The PEX6 c.2612G>A variant is predicted to result in the amino acid substitution p.Gly871Glu. To our knowledge, this variant has not been reported in the literature. This variant is reported in 0.0018% of alleles in individuals of European (Non-Finnish) descent in gnomAD. At this time, the clinical significance of this variant is uncertain due to the absence of conclusive functional and genetic evidence.

Labcorp Genetics (formerly Invitae), Labcorp
Classification: Uncertain significance for Peroxisome biogenesis disorder. Last evaluated: 2024-11-05. Review status: criteria provided, single submitter. Criteria: Invitae Variant Classification Sherloc (09022015). Collection method: clinical testing. Allele origin: germline.
Comment: This sequence change replaces glycine, which is neutral and non-polar, with glutamic acid, which is acidic and polar, at codon 871 of the PEX6 protein (p.Gly871Glu). This variant is present in population databases (no rsID available, gnomAD 0.002%). This variant has not been reported in the literature in individuals affected with PEX6-related conditions. ClinVar contains an entry for this variant (Variation ID: 1422454). Invitae Evidence Modeling of protein sequence and biophysical properties (such as structural, functional, and spatial information, amino acid conservation, physicochemical variation, residue mobility, and thermodynamic stability) indicates that this missense variant is expected to disrupt PEX6 protein function with a positive predictive value of 95%. In summary, the available evidence is currently insufficient to determine the role of this variant in disease. Therefore, it has been classified as a Variant of Uncertain Significance.

NM_000287.4(PEX6):c.2612G>A (p.Gly871Glu)

Gene: PEX6 (peroxisomal biogenesis factor 6; minus strand). Cytogenetic location: 6p21.1.
Variant type: single nucleotide variant.
Coding change: c.2612G>A on transcript NM_000287.4 (MANE Select); coding-DNA position 2612, G replaced by A.
Protein change: p.Gly871Glu; replaces glycine 871 with glutamic acid.
Molecular consequence: missense variant. On other transcripts: non-coding transcript variant (1).
Genome position (GRCh38, 1-based): chr6:42,965,129, C>T on the plus strand (G>A on the coding strand, the complement: PEX6 is on the minus strand). VCF-style: chr6-42965129-C-T. GRCh37 (hg19) VCF-style: chr6-42932867-C-T.
Other names: c.2348G>A, p.Gly783Glu (NM_001316313.2); c.2612G>A (NM_000287.3); short protein forms G783E, G871E.
Identifiers: ClinVar variation 1422454 (VCV001422454.6), dbSNP rs1460417469, ClinGen allele CA364150718.
Genomic context (GRCh38, chr6:42,965,129, plus strand): 5'-GCATACTTGCGTGTGATGGCACTTAGAACGCGTAGCTGGGAGGCCCGGTCCTCATTTGCC[C>T]CCACAAACACCAGCTTGTCAAATCTTTAGGGAGATAGGCAGGTATAAGTTTCAGGGAGCC-3'
Protein context (NP_000278.3, residues 861-881): PGRFDKLVFV[Gly871Glu]ANEDRASQLR